The following is an entry in ClinVar:

NM_033337.3(CAV3):c.290_292del (p.Phe97del)

Genes: CAV3 (caveolin 3; plus strand), OXTR (oxytocin receptor; minus strand). Cytogenetic location: 3p25.3.
Variant type: Deletion.
Coding change: c.290_292del on transcript NM_033337.3 (MANE Select); coding-DNA positions 290 to 292, 3 bases deleted (TCT; older notation c.290_292delTCT).
Protein change: p.Phe97del; deletes phenylalanine 97.
Molecular consequence: inframe deletion.
Genome position (GRCh38, 1-based): chr3:8,745,701-8,745,703, TCT deleted; deleting any 3 consecutive bases within chr3:8,745,699-8,745,703 gives the same sequence; the c. name uses the placement nearest the transcript's 3' end. VCF-style (leftmost placement, unchanged base first): chr3-8745698-CCTT-C. GRCh37 (hg19) VCF-style: chr3-8787384-CCTT-C.
Other names: CAV3, 3-BP DEL, PHE98DEL; F98del; c.290_292delTCT (NM_033337.2); c.290_292del, p.Phe97del (NM_001234.5); short protein forms F97del.
Identifiers: ClinVar variation 8286 (VCV000008286.8), dbSNP rs199476335, ClinGen allele CA119443.

ClinVar aggregate classification (germline): Uncertain significance. Review status: criteria provided, multiple submitters, no conflicts (2 of 4 stars). 5 submissions from 4 submitters: Uncertain significance (2). 3 of the submissions do not count toward it. Last evaluated 2024-10-10.

Conditions:
Caveolinopathy. Identifiers: Orphanet 207078, MedGen C5679790, MONDO:0016146.
Elevated circulating creatine kinase activity. Also called: Elevated circulating creatine kinase concentration; Elevated serum creatine phosphokinase; Elevated creatine kinase. Identifiers: MedGen C0241005, HP:0003236.
Rippling muscle disease 2 (RMD2). Also called: CAV3-Related Rippling Muscle Disease; Limb-girdle muscular dystrophy, type 1C. Identifiers: Orphanet 265, MedGen C1832560, MONDO:0019947, OMIM 606072.

Submissions (5):

Victorian Clinical Genetics Services, Murdoch Childrens Research Institute
Classification: Uncertain significance for Caveolinopathy. Last evaluated: 2024-10-10. Review status: criteria provided, single submitter. Criteria: ACMG Guidelines, 2015. Collection method: clinical testing. Allele origin: germline. Inheritance: Autosomal dominant inheritance. Affected: yes.
Comment: Based on the classification scheme VCGS_Germline_v1.3.5, this variant is classified as a VUS-3A. Following criteria are met: 0104 - Dominant negative is a known mechanism of disease in this gene and is associated with caveolinopathy (MONDO:0016146). (I) 0107 - This gene is associated with autosomal dominant disease. (I) 0115 - Variants in this gene are known to have variable expressivity. The same mutation can lead to heterogeneous clinical phenotypes and muscle histopathological changes (PMID: 19584897). (I) 0213 - In-frame deletion in a non-repetitive region that has high conservation. (SP) 0251 - This variant is heterozygous. (I) 0301 - Variant is absent from gnomAD (v2, v3 and v4). (SP) 0309 - An alternative amino acid change at the same position has been observed in gnomAD (v4; 2 heterozygotes, 0 homozygotes). (I) 0600 - Variant is located in the annotated caveolin family domain (DECIPHER). (I) 0705 - No comparable in-frame deletion variants have previous evidence for pathogenicity. (I) 0803 - This variant has limited previous evidence of pathogenicity in an unrelated individual. The variant is reported to be present in six affected individuals from the same family with elevated creatine kinase and variable muscle involvement (PMID: 14663034). (SP) 0901 - This variant has strong evidence for segregation with disease. This variant segregates within a large single family (PMID: 14663034). (SP) 1208 - Inheritance information for this variant is not currently available in this individual. (I) Legend: (SP) - Supporting pathogenic, (I) - Information, (SB) - Supporting benign

Eurofins Ntd Llc (ga)
Classification: Uncertain significance. Last evaluated: 2015-08-26. Review status: criteria provided, single submitter. Criteria: EGL Classification Definitions 2015. Collection method: clinical testing. Allele origin: germline. Observed: 1 variant allele, 1 heterozygote.

Leiden Muscular Dystrophy (CAV3)
No classification provided. Last evaluated: 2012-04-15. Review status: no classification provided. Collection method: curation. Allele origin: germline. Not counted in ClinVar's aggregate classification.

OMIM
Classification: Pathogenic for CREATINE PHOSPHOKINASE, ELEVATED SERUM. Last evaluated: 2005-01-01. Review status: no assertion criteria provided. Collection method: literature only. Allele origin: germline. Not counted in ClinVar's aggregate classification.

OMIM
Classification: Pathogenic for RIPPLING MUSCLE DISEASE 2. Last evaluated: 2005-01-01. Review status: no assertion criteria provided. Collection method: literature only. Allele origin: germline. Not counted in ClinVar's aggregate classification.

Literature cited by the submitters: PubMed 14663034 (cited by 3 submitters); PubMed 19584897 (cited by Victorian Clinical Genetics Services, Murdoch Childrens Research Institute); PubMed 15580566 (cited by OMIM); PubMed 30055862 (cited by OMIM).